The following is an entry in ClinVar:

ClinVar aggregate classification (germline): Benign/Likely benign. Review status: criteria provided, multiple submitters, no conflicts (2 of 4 stars). 3 submissions from 3 submitters: Benign (1); Likely benign (2). Last evaluated 2026-07-09.

Conditions:
Rhabdoid tumor predisposition syndrome 2 (RTPS2). Identifiers: Orphanet 231108, Orphanet 69077, MedGen C2750074, MONDO:0013224, OMIM 613325.
Hereditary cancer-predisposing syndrome. Also called: Tumor predisposition; Neoplastic Syndromes, Hereditary; Hereditary Cancer Syndrome; Hereditary neoplastic syndrome. Identifiers: Orphanet 140162, MedGen C0027672, MeSH D009386, MONDO:0015356.

gnomAD v4.1: 1 of 1,538,778 alleles (0.000065%); highest among the groups gnomAD compares: Admixed American, 0.002%; no homozygotes.

Submissions (3):

Myriad Genetics, Inc.
Classification: Benign for Rhabdoid tumor predisposition syndrome 2. Last evaluated: 2026-07-09. Review status: criteria provided, single submitter. Criteria: Myriad Autosomal Dominant, Autosomal Recessive and X-Linked Classification Criteria (2023). Collection method: clinical testing. Allele origin: unknown.
Comment: This variant is considered benign. This variant is a silent/synonymous amino acid change and it is not expected to impact splicing.

Labcorp Genetics (formerly Invitae), Labcorp
Classification: Likely benign for Rhabdoid tumor predisposition syndrome 2. Last evaluated: 2025-10-07. Review status: criteria provided, single submitter. Criteria: Invitae Variant Classification Sherloc (09022015). Collection method: clinical testing. Allele origin: germline.

Ambry Genetics
Classification: Likely benign for Hereditary cancer-predisposing syndrome. Last evaluated: 2015-12-20. Review status: criteria provided, single submitter. Criteria: Ambry Variant Classification Scheme 2023. Collection method: clinical testing. Allele origin: germline.

NM_003072.5(SMARCA4):c.720G>C (p.Pro240=)

Gene: SMARCA4 (SWI/SNF related BAF chromatin remodeling complex subunit ATPase 4; plus strand). Cytogenetic location: 19p13.2.
Variant type: single nucleotide variant.
Coding change: c.720G>C on transcript NM_003072.5 (MANE Select); coding-DNA position 720, G replaced by C.
Protein change: p.Pro240=; no amino-acid change (proline 240 retained).
Molecular consequence: synonymous variant. On other transcripts: non-coding transcript variant (1).
Genome position (GRCh38, 1-based): chr19:10,986,553, G>C. VCF-style: chr19-10986553-G-C. GRCh37 (hg19) VCF-style: chr19-11097229-G-C.
Other names: c.720G>C, p.Pro240= (NM_001128844.3, NM_001128845.2, NM_001128846.2 and 5 more transcripts).
Identifiers: ClinVar variation 470455 (VCV000470455.14), dbSNP rs1023059961, ClinGen allele CA505744203.